The following is an entry in ClinVar:

NC_000001.10:g.155183259_(155210558_155210826)del

Gene: GBA1 (glucosylceramidase beta 1; minus strand).
Variant type: Deletion.
Identifiers: ClinVar variation 1804121 (VCV001804121.1).

ClinVar aggregate classification (germline): Likely pathogenic (1 of 4 stars; one submission).

Conditions:
Parkinson disease, late-onset (PD). Also called: Susceptibility to Parkinson's Disease; Hereditary late onset Parkinson disease; PARKINSON DISEASE, LATE-ONSET, SUSCEPTIBILITY TO. Identifiers: Orphanet 411602, MedGen C3160718, MONDO:0008199, OMIM 168600.

Submission:

Institute of Human Genetics, University of Leipzig Medical Center
Classification: Likely pathogenic for Parkinson disease, late-onset. Last evaluated: 2022-12-19. Review status: criteria provided, single submitter. Criteria: ACMG Guidelines, 2015. Collection method: clinical testing. Allele origin: unknown. Affected: yes.
Comment: _x000D_ Criteria applied: PVS1, PS4_MOD